The following is an entry in ClinVar:

NM_032119.4(ADGRV1):c.3364T>C (p.Ser1122Pro)

Gene: ADGRV1 (adhesion G protein-coupled receptor V1; plus strand). Cytogenetic location: 5q14.3.
Variant type: single nucleotide variant.
Coding change: c.3364T>C on transcript NM_032119.4 (MANE Select); coding-DNA position 3364, T replaced by C.
Protein change: p.Ser1122Pro; replaces serine 1122 with proline.
Molecular consequence: missense variant. On other transcripts: non-coding transcript variant (1).
Genome position (GRCh38, 1-based): chr5:90,651,678, T>C. VCF-style: chr5-90651678-T-C. GRCh37 (hg19) VCF-style: chr5-89947495-T-C.
Other names: short protein forms S1122P.
Identifiers: ClinVar variation 2081094 (VCV002081094.4), dbSNP rs2532067818, ClinGen allele CA360395837.

ClinVar aggregate classification (germline): Uncertain significance (1 of 4 stars; one submission).

Submission:

Labcorp Genetics (formerly Invitae), Labcorp
Classification: Uncertain significance. Last evaluated: 2022-01-12. Review status: criteria provided, single submitter. Criteria: Invitae Variant Classification Sherloc (09022015). Collection method: clinical testing. Allele origin: germline.
Comment: This sequence change replaces serine, which is neutral and polar, with proline, which is neutral and non-polar, at codon 1122 of the ADGRV1 protein (p.Ser1122Pro). This variant is not present in population databases (gnomAD no frequency). This variant has not been reported in the literature in individuals affected with ADGRV1-related conditions. Algorithms developed to predict the effect of missense changes on protein structure and function are either unavailable or do not agree on the potential impact of this missense change (SIFT: "Deleterious"; PolyPhen-2: "Possibly Damaging"; Align-GVGD: "Class C0"). In summary, the available evidence is currently insufficient to determine the role of this variant in disease. Therefore, it has been classified as a Variant of Uncertain Significance.